The following is an entry in ClinVar:

NM_000548.5(TSC2):c.3728A>G (p.Glu1243Gly)

Gene: TSC2 (TSC complex subunit 2; plus strand). Cytogenetic location: 16p13.3.
Variant type: single nucleotide variant.
Coding change: c.3728A>G on transcript NM_000548.5 (MANE Select); coding-DNA position 3728, A replaced by G.
Protein change: p.Glu1243Gly; replaces glutamic acid 1243 with glycine.
Molecular consequence: missense variant. On other transcripts: non-coding transcript variant (5).
Genome position (GRCh38, 1-based): chr16:2,081,712, A>G. VCF-style: chr16-2081712-A-G. GRCh37 (hg19) VCF-style: chr16-2131713-A-G.
Other names: c.3599A>G, p.Glu1200Gly (NM_001363528.2, NM_001370405.1, NM_021055.3); c.3596A>G, p.Glu1199Gly (NM_001370404.1, NM_001406665.1, NM_001077183.3); c.3725A>G, p.Glu1242Gly (NM_001406663.1, NM_001406664.1); c.3689A>G, p.Glu1230Gly (NM_001406667.1); c.3686A>G, p.Glu1229Gly (NM_001406668.1); c.3617A>G, p.Glu1206Gly (NM_001406670.1); c.3587A>G, p.Glu1196Gly (NM_001406671.1); c.3584A>G, p.Glu1195Gly (NM_001406673.1); and 18 more; short protein forms E1162G, E1194G, E1196G, E1199G, E1206G, E1229G, E1043G, E1151G.
Identifiers: ClinVar variation 2701402 (VCV002701402.3), dbSNP rs2151482988, ClinGen allele CA394292850.

ClinVar aggregate classification (germline): Uncertain significance (1 of 4 stars; one submission).

Conditions:
Tuberous sclerosis 2 (TSC2). Identifiers: Orphanet 805, MedGen C1860707, MONDO:0013199, OMIM 613254.

Submission:

Labcorp Genetics (formerly Invitae), Labcorp
Classification: Uncertain significance for Tuberous sclerosis 2. Last evaluated: 2023-12-08. Review status: criteria provided, single submitter. Criteria: Invitae Variant Classification Sherloc (09022015). Collection method: clinical testing. Allele origin: germline.
Comment: This sequence change replaces glutamic acid, which is acidic and polar, with glycine, which is neutral and non-polar, at codon 1243 of the TSC2 protein (p.Glu1243Gly). This variant is not present in population databases (gnomAD no frequency). This variant has not been reported in the literature in individuals affected with TSC2-related conditions. Advanced modeling of protein sequence and biophysical properties (such as structural, functional, and spatial information, amino acid conservation, physicochemical variation, residue mobility, and thermodynamic stability) performed at Invitae indicates that this missense variant is not expected to disrupt TSC2 protein function with a negative predictive value of 95%. In summary, the available evidence is currently insufficient to determine the role of this variant in disease. Therefore, it has been classified as a Variant of Uncertain Significance.